The following is an entry in ClinVar:

ClinVar aggregate classification (germline): Uncertain significance. Review status: criteria provided, multiple submitters, no conflicts (2 of 4 stars). 5 submissions from 5 submitters: Uncertain significance (5). Last evaluated 2025-06-03.

Conditions:
Inborn genetic diseases. Identifiers: MedGen C0950123, MeSH D030342.

Allele frequency attached by ClinVar (database versions not stated): 1000 Genomes Project 30x 0.00016; 1000 Genomes Project 0.00020; ESP Exome Variant Server 0.00038; TOPMed 0.00043; gnomAD 0.00050 and 0.00053.
gnomAD v4.1: 979 of 1,614,140 alleles (0.061%); highest among the groups gnomAD compares: Non-Finnish European, 0.075%; 1 homozygote.

Submissions (5):

Mayo Clinic Laboratories, Mayo Clinic
Classification: Uncertain significance. Last evaluated: 2025-06-03. Review status: criteria provided, single submitter. Criteria: ACMG Guidelines, 2015. Collection method: clinical testing. Allele origin: germline. Observed: 3 variant alleles.
Comment: BP4

Ambry Genetics
Classification: Uncertain significance for Inborn genetic diseases. Last evaluated: 2024-04-23. Review status: criteria provided, single submitter. Criteria: Ambry Variant Classification Scheme 2023. Collection method: clinical testing. Allele origin: germline.

CeGaT Center for Human Genetics Tuebingen
Classification: Uncertain significance. Last evaluated: 2023-09-01. Review status: criteria provided, single submitter. Criteria: CeGaT Center For Human Genetics Tuebingen Variant Classification Criteria Version 2. Collection method: clinical testing. Allele origin: germline. Affected: yes. Observed: 1 variant allele.
Comment: VPS13D: PM2, BP4

GeneDx
Classification: Uncertain significance. Last evaluated: 2022-09-28. Review status: criteria provided, single submitter. Criteria: GeneDx Variant Classification Process June 2021. Collection method: clinical testing. Allele origin: germline. Affected: yes.
Comment: In silico analysis supports that this missense variant does not alter protein structure/function; Has not been previously published as pathogenic or benign to our knowledge

Labcorp Genetics (formerly Invitae), Labcorp
Classification: Uncertain significance. Last evaluated: 2022-08-09. Review status: criteria provided, single submitter. Criteria: Invitae Variant Classification Sherloc (09022015). Collection method: clinical testing. Allele origin: germline.
Comment: This sequence change replaces lysine, which is basic and polar, with arginine, which is basic and polar, at codon 513 of the VPS13D protein (p.Lys513Arg). This variant is present in population databases (rs140107975, gnomAD 0.06%). This variant has not been reported in the literature in individuals affected with VPS13D-related conditions. ClinVar contains an entry for this variant (Variation ID: 1307721). Algorithms developed to predict the effect of missense changes on protein structure and function (SIFT, PolyPhen-2, Align-GVGD) all suggest that this variant is likely to be tolerated. Algorithms developed to predict the effect of sequence changes on RNA splicing suggest that this variant may create or strengthen a splice site. In summary, the available evidence is currently insufficient to determine the role of this variant in disease. Therefore, it has been classified as a Variant of Uncertain Significance.

NM_015378.4(VPS13D):c.1538A>G (p.Lys513Arg)

Gene: VPS13D (vacuolar protein sorting 13 homolog D; plus strand). Cytogenetic location: 1p36.22.
Variant type: single nucleotide variant.
Coding change: c.1538A>G on transcript NM_015378.4 (MANE Select); coding-DNA position 1538, A replaced by G.
Protein change: p.Lys513Arg; replaces lysine 513 with arginine.
Molecular consequence: missense variant.
Genome position (GRCh38, 1-based): chr1:12,262,024, A>G. VCF-style: chr1-12262024-A-G. GRCh37 (hg19) VCF-style: chr1-12322081-A-G.
Other names: p.Lys513Arg; c.1538A>G, p.Lys513Arg (NM_018156.4); c.1538A>G (NM_015378.2); short protein forms K513R.
Identifiers: ClinVar variation 1307721 (VCV001307721.32), dbSNP rs140107975, ClinGen allele CA601541.